The following is an entry in ClinVar:

ClinVar aggregate classification (germline): Uncertain significance (1 of 4 stars; one submission).

Conditions:
Autosomal recessive limb-girdle muscular dystrophy type 2E (LGMDR4). Also called: MUSCULAR DYSTROPHY, LIMB-GIRDLE, AUTOSOMAL RECESSIVE 4. Identifiers: Orphanet 119, MedGen C1858593, MONDO:0011423, OMIM 604286. Disease mechanism: Affects gamma-sarcoglycan and also disrupts the integrity of the entire sarcoglycan complex..

gnomAD v4.1: 3 of 1,614,040 alleles (0.00019%); highest among the groups gnomAD compares: Non-Finnish European, 0.00025%; no homozygotes.

Submission:

Labcorp Genetics (formerly Invitae), Labcorp
Classification: Uncertain significance for Autosomal recessive limb-girdle muscular dystrophy type 2E. Last evaluated: 2021-08-31. Review status: criteria provided, single submitter. Criteria: Invitae Variant Classification Sherloc (09022015). Collection method: clinical testing. Allele origin: germline.
Comment: This sequence change replaces arginine with leucine at codon 267 of the SGCB protein (p.Arg267Leu). The arginine residue is highly conserved and there is a moderate physicochemical difference between arginine and leucine. This variant is not present in population databases (ExAC no frequency). This variant has not been reported in the literature in individuals affected with SGCB-related conditions. Algorithms developed to predict the effect of missense changes on protein structure and function are either unavailable or do not agree on the potential impact of this missense change (SIFT: "Deleterious"; PolyPhen-2: "Benign"; Align-GVGD: "Class C65"). In summary, the available evidence is currently insufficient to determine the role of this variant in disease. Therefore, it has been classified as a Variant of Uncertain Significance.

NM_000232.5(SGCB):c.800G>T (p.Arg267Leu)

Gene: SGCB (sarcoglycan beta; minus strand). Cytogenetic location: 4q12.
Variant type: single nucleotide variant.
Coding change: c.800G>T on transcript NM_000232.5 (MANE Select); coding-DNA position 800, G replaced by T.
Protein change: p.Arg267Leu; replaces arginine 267 with leucine.
Molecular consequence: missense variant.
Genome position (GRCh38, 1-based): chr4:52,024,114, C>A on the plus strand (G>T on the coding strand, the complement: SGCB is on the minus strand). VCF-style: chr4-52024114-C-A. GRCh37 (hg19) VCF-style: chr4-52890280-C-A.
Other names: short protein forms R267L.
Identifiers: ClinVar variation 1392300 (VCV001392300.5), dbSNP rs114778658, ClinGen allele CA356875385.